The following is an entry in ClinVar:

NM_005188.4(CBL):c.629A>G (p.His210Arg)

Gene: CBL (Cbl proto-oncogene; plus strand). Cytogenetic location: 11q23.3.
Variant type: single nucleotide variant.
Coding change: c.629A>G on transcript NM_005188.4 (MANE Select); coding-DNA position 629, A replaced by G.
Protein change: p.His210Arg; replaces histidine 210 with arginine.
Molecular consequence: missense variant.
Genome position (GRCh38, 1-based): chr11:119,273,906, A>G. VCF-style: chr11-119273906-A-G. GRCh37 (hg19) VCF-style: chr11-119144616-A-G.
Other names: short protein forms H210R.
Identifiers: ClinVar variation 3827788 (VCV003827788.1).

ClinVar aggregate classification (germline): Uncertain significance (1 of 4 stars; one submission).

Conditions:
Cardiovascular phenotype. Identifiers: MedGen CN230736.

Submission:

Ambry Genetics
Classification: Uncertain significance for Cardiovascular phenotype. Last evaluated: 2024-12-20. Review status: criteria provided, single submitter. Criteria: Ambry Variant Classification Scheme 2023. Collection method: clinical testing. Allele origin: germline.
Comment: The p.H210R variant (also known as c.629A>G), located in coding exon 4 of the CBL gene, results from an A to G substitution at nucleotide position 629. The histidine at codon 210 is replaced by arginine, an amino acid with highly similar properties. This amino acid position is conserved. In addition, this alteration is predicted to be deleterious by in silico analysis. Based on the available evidence, the clinical significance of this variant remains unclear.